The following is an entry in ClinVar:

ClinVar aggregate classification (germline): Likely pathogenic (1 of 4 stars; one submission).

Conditions:
Retinitis pigmentosa (RP). Identifiers: Orphanet 791, MedGen C0035334, MeSH D012174, MONDO:0019200, OMIM 268000. Inheritance: Autosomal dominant, autosomal recessive and X linked inheritance.

Submission:

Women's Health and Genetics/Laboratory Corporation of America, LabCorp
Classification: Likely pathogenic for Retinitis pigmentosa. Last evaluated: 2022-06-21. Review status: criteria provided, single submitter. Criteria: LabCorp Variant Classification Summary - May 2015. Collection method: clinical testing. Allele origin: germline.
Comment: Variant summary: The variant identified by MLPA or other technology involves the deletion of exon 13 in the EYS gene. A presumed nomenclature of c.(2023+1_2024-1)_(2137+1_2138-1)del has been designated for the purposes of this classification. Although exact breakpoints of this deletion are not known, it is expected to result in a large in-frame deletion change in the EYS gene, predicted as p.Gly675_Lys712del (Alamut tool), a known mechanism of disease. In addition, exon 13 includes EGF-like domain (IPR000742) that is found in the extracellular domain of membrane-bound proteins or in proteins known to be secreted (InterPro). The variant was absent in 21694 control chromosomes (gnomAD SVs, Structural Variants dataset). To our knowledge, no occurrence of c.(2023+1_2024-1)_(2137+1_2138-1)del in individuals affected with Retinitis Pigmentosa and no experimental evidence demonstrating its impact on protein function have been reported. No clinical diagnostic laboratories have submitted clinical-significance assessments for this variant to ClinVar after 2014. Based on the evidence outlined above, the variant was classified as likely pathogenic.

NC_000006.11:g.(65707597_65767506)_(65767621_66005755)del

Gene: EYS (EGF-like photoreceptor maintenance factor; minus strand). Cytogenetic location: 6q12.
Variant type: Deletion.
Identifiers: ClinVar variation 1698606 (VCV001698606.1).